The following is an entry in ClinVar:

ClinVar aggregate classification (germline): Benign/Likely benign. Review status: criteria provided, multiple submitters, no conflicts (2 of 4 stars). 3 submissions from 3 submitters: Benign (1); Likely benign (2). Last evaluated 2025-09-22.

Conditions:
Hereditary cancer-predisposing syndrome. Also called: Tumor predisposition; Neoplastic Syndromes, Hereditary; Hereditary Cancer Syndrome; Hereditary neoplastic syndrome. Identifiers: Orphanet 140162, MedGen C0027672, MeSH D009386, MONDO:0015356.
Pheochromocytoma/paraganglioma syndrome 5. Also called: Paragangliomas 5; SDHA-Related Hereditary Paraganglioma-Pheochromocytoma Syndrome. Identifiers: Orphanet 29072, MedGen C3279992, MONDO:0013602, OMIM 614165.
Mitochondrial complex II deficiency, nuclear type 1. Also called: SUCCINATE CoQ REDUCTASE DEFICIENCY. Identifiers: Orphanet 3208, MedGen C5700310, MONDO:0100294, OMIM 252011.

Submissions (3):

Labcorp Genetics (formerly Invitae), Labcorp
Classification: Likely benign for Pheochromocytoma/paraganglioma syndrome 5; Mitochondrial complex II deficiency, nuclear type 1. Last evaluated: 2025-09-22. Review status: criteria provided, single submitter. Criteria: Invitae Variant Classification Sherloc (09022015). Collection method: clinical testing. Allele origin: germline.

Myriad Genetics, Inc.
Classification: Benign for Pheochromocytoma/paraganglioma syndrome 5. Last evaluated: 2025-03-07. Review status: criteria provided, single submitter. Criteria: Myriad Autosomal Dominant, Autosomal Recessive and X-Linked Classification Criteria (2023). Collection method: clinical testing. Allele origin: unknown.
Comment: This variant is considered benign. This variant is a silent/synonymous amino acid change and it is not expected to impact splicing.

Ambry Genetics
Classification: Likely benign for Hereditary cancer-predisposing syndrome. Last evaluated: 2024-01-21. Review status: criteria provided, single submitter. Criteria: Ambry Variant Classification Scheme 2023. Collection method: clinical testing. Allele origin: germline.

NM_004168.4(SDHA):c.1113A>G (p.Leu371=)

Gene: SDHA (succinate dehydrogenase complex flavoprotein subunit A; plus strand). Cytogenetic location: 5p15.33.
Variant type: single nucleotide variant.
Coding change: c.1113A>G on transcript NM_004168.4 (MANE Select); coding-DNA position 1113, A replaced by G.
Protein change: p.Leu371=; no amino-acid change (leucine 371 retained).
Molecular consequence: synonymous variant.
Genome position (GRCh38, 1-based): chr5:235,192, A>G. VCF-style: chr5-235192-A-G. GRCh37 (hg19) VCF-style: chr5-235307-A-G.
Other names: c.1113A>G (NM_004168.2); c.969A>G, p.Leu323= (NM_001294332.2); c.1113A>G, p.Leu371= (NM_001330758.2).
Identifiers: ClinVar variation 1130557 (VCV001130557.11), dbSNP rs2126584480, ClinGen allele CA442691948.